The following is an entry in ClinVar:

ClinVar aggregate classification (germline): Uncertain significance (1 of 4 stars; one submission).

Conditions:
Malignant hyperthermia, susceptibility to, 1 (MHS1). Also called: Anesthesia related hyperthermia; Malignant hyperpyrexia; Fulminating hyperpyrexia; Pharmacogenic myopathy; RYR1-Related Malignant Hyperthermia Susceptibility; Malignant hyperthermia suceptibility 1. Identifiers: Orphanet 423, MedGen C2930980, MONDO:0007783, OMIM 145600.

Submission:

All of Us Research Program, National Institutes of Health
Classification: Uncertain significance for Malignant hyperthermia, susceptibility to, 1. Last evaluated: 2024-07-10. Review status: criteria provided, single submitter. Criteria: ACMG Guidelines, 2015. Collection method: clinical testing. Allele origin: germline. Inheritance: Autosomal dominant inheritance. Observed: 1 variant allele, 1 heterozygote.
Comment: This variant deletes 1 nucleotide in exon 1 of the RYR1 gene, creating a frameshift and premature translation stop signal. This variant is expected to result in an absent or non-functional protein product. To our knowledge, this variant has not been reported in individuals affected with RYR1-related disorders in the literature. This variant has not been identified in the general population by the Genome Aggregation Database (gnomAD). Loss of RYR1 function due to truncation variants is not an established disease mechanism for autosomal dominant malignant hyperthermia, although it is associated with other phenotype(s). Therefore, this variant is classified as a Variant of Uncertain Significance for autosomal dominant malignant hyperthermia.

This study involves interpretation of variants in research participants for the purpose of population health screening. Participant phenotype was not available at the time of variant classification. Additional details can be found in publication PMID: 35346344, PMCID: PMC8962531

NM_000540.3(RYR1):c.31del (p.Gln11fs)

Gene: RYR1 (ryanodine receptor 1; plus strand). Cytogenetic location: 19q13.2.
Variant type: Deletion.
Coding change: c.31del on transcript NM_000540.3 (MANE Select); coding-DNA position 31, one base deleted (C; older notation c.31delC).
Protein change: p.Gln11fs; shifts the reading frame from glutamine 11.
Molecular consequence: frameshift variant.
Genome position (GRCh38, 1-based): chr19:38,433,860, C deleted; the last of 2 consecutive C bases (chr19:38,433,859-38,433,860); deleting either gives the same sequence. VCF-style (leftmost placement, unchanged base first): chr19-38433858-TC-T. GRCh37 (hg19) VCF-style: chr19-38924498-TC-T.
Other names: c.31del, p.Gln11fs (NM_001042723.2); short protein forms Q11fs.
Identifiers: ClinVar variation 3387614 (VCV003387614.1).